The following is an entry in ClinVar:

NM_030662.4(MAP2K2):c.694T>A (p.Ser232Thr)

Gene: MAP2K2 (mitogen-activated protein kinase kinase 2; minus strand). Cytogenetic location: 19p13.3.
Variant type: single nucleotide variant.
Coding change: c.694T>A on transcript NM_030662.4 (MANE Select); coding-DNA position 694, T replaced by A.
Protein change: p.Ser232Thr; replaces serine 232 with threonine.
Molecular consequence: missense variant.
Genome position (GRCh38, 1-based): chr19:4,101,030, A>T on the plus strand (T>A on the coding strand, the complement: MAP2K2 is on the minus strand). VCF-style: chr19-4101030-A-T. GRCh37 (hg19) VCF-style: chr19-4101028-A-T.
Other names: short protein forms S232T.
Identifiers: ClinVar variation 2824273 (VCV002824273.3), dbSNP rs2145053752, ClinGen allele CA403388332.

ClinVar aggregate classification (germline): Uncertain significance (1 of 4 stars; one submission).

Conditions:
RASopathy. Also called: Noonan spectrum disorder; rasopathies. Identifiers: Orphanet 536391, MedGen C5555857, MONDO:0021060.

Submission:

Labcorp Genetics (formerly Invitae), Labcorp
Classification: Uncertain significance for RASopathy. Last evaluated: 2024-01-02. Review status: criteria provided, single submitter. Criteria: Invitae Variant Classification Sherloc (09022015). Collection method: clinical testing. Allele origin: germline.
Comment: This sequence change replaces serine, which is neutral and polar, with threonine, which is neutral and polar, at codon 232 of the MAP2K2 protein (p.Ser232Thr). This variant is not present in population databases (gnomAD no frequency). This variant has not been reported in the literature in individuals affected with MAP2K2-related conditions. Advanced modeling of protein sequence and biophysical properties (such as structural, functional, and spatial information, amino acid conservation, physicochemical variation, residue mobility, and thermodynamic stability) performed at Invitae indicates that this missense variant is not expected to disrupt MAP2K2 protein function with a negative predictive value of 95%. In summary, the available evidence is currently insufficient to determine the role of this variant in disease. Therefore, it has been classified as a Variant of Uncertain Significance.